The following is an entry in ClinVar:

ClinVar aggregate classification (germline): Uncertain significance. Review status: criteria provided, multiple submitters, no conflicts (2 of 4 stars). 2 submissions from 2 submitters: Uncertain significance (2). Last evaluated 2025-08-11.

Allele frequency attached by ClinVar (database versions not stated): 1000 Genomes Project 0.00040; 1000 Genomes Project 30x 0.00016.
gnomAD v4.1: 24 of 1,582,064 alleles (0.0015%); highest among the groups gnomAD compares: African/African-American, 0.004%; no homozygotes.

Submissions (2):

Labcorp Genetics (formerly Invitae), Labcorp
Classification: Uncertain significance. Last evaluated: 2025-08-11. Review status: criteria provided, single submitter. Criteria: Invitae Variant Classification Sherloc (09022015). Collection method: clinical testing. Allele origin: germline.
Comment: This sequence change replaces valine, which is neutral and non-polar, with glycine, which is neutral and non-polar, at codon 14 of the CLPX protein (p.Val14Gly). This variant is present in population databases (rs150007907, gnomAD 0.02%). This variant has not been reported in the literature in individuals affected with CLPX-related conditions. ClinVar contains an entry for this variant (Variation ID: 2547105). An algorithm developed to predict the effect of missense changes on protein structure and function (PolyPhen-2) suggests that this variant is likely to be tolerated. In summary, the available evidence is currently insufficient to determine the role of this variant in disease. Therefore, it has been classified as a Variant of Uncertain Significance.

Ambry Genetics
Classification: Uncertain significance. Last evaluated: 2023-05-17. Review status: criteria provided, single submitter. Criteria: Ambry Variant Classification Scheme 2023. Collection method: clinical testing. Allele origin: germline.

NM_006660.5(CLPX):c.41T>G (p.Val14Gly)

Gene: CLPX (caseinolytic mitochondrial matrix peptidase chaperone subunit X; minus strand). Cytogenetic location: 15q22.31.
Variant type: single nucleotide variant.
Coding change: c.41T>G on transcript NM_006660.5 (MANE Select); coding-DNA position 41, T replaced by G.
Protein change: p.Val14Gly; replaces valine 14 with glycine.
Molecular consequence: missense variant. On other transcripts: non-coding transcript variant (1).
Genome position (GRCh38, 1-based): chr15:65,185,113, A>C on the plus strand (T>G on the coding strand, the complement: CLPX is on the minus strand). VCF-style: chr15-65185113-A-C. GRCh37 (hg19) VCF-style: chr15-65477451-A-C.
Other names: short protein forms V14G.
Identifiers: ClinVar variation 2547105 (VCV002547105.5), dbSNP rs150007907, ClinGen allele CA7615029.